The following is an entry in ClinVar:

NM_198576.4(AGRN):c.1450G>A (p.Gly484Arg)

Gene: AGRN (agrin; plus strand). Cytogenetic location: 1p36.33.
Variant type: single nucleotide variant.
Coding change: c.1450G>A on transcript NM_198576.4 (MANE Select); coding-DNA position 1450, G replaced by A.
Protein change: p.Gly484Arg; replaces glycine 484 with arginine.
Molecular consequence: missense variant.
Genome position (GRCh38, 1-based): chr1:1,043,304, G>A. VCF-style: chr1-1043304-G-A. GRCh37 (hg19) VCF-style: chr1-978684-G-A.
Other names: c.1450G>A, p.Gly484Arg (NM_001305275.2); c.1135G>A, p.Gly379Arg (NM_001364727.2); short protein forms G484R, G379R.
Identifiers: ClinVar variation 4760587 (VCV004760587.1).

ClinVar aggregate classification (germline): Uncertain significance (1 of 4 stars; one submission).

Conditions:
Congenital myasthenic syndrome 8. Also called: MYASTHENIC SYNDROME, CONGENITAL, DUE TO AGRIN DEFICIENCY; Myasthenic syndrome, congenital, 8, with pre- and postsynaptic defects. Identifiers: Orphanet 590, MedGen C3808739, MONDO:0014052, OMIM 615120.

gnomAD v4.1: 14 of 1,611,416 alleles (0.00087%); highest among the groups gnomAD compares: African/African-American, 0.0027%; no homozygotes.

Submission:

Labcorp Genetics (formerly Invitae), Labcorp
Classification: Uncertain significance for Congenital myasthenic syndrome 8. Last evaluated: 2025-02-26. Review status: criteria provided, single submitter. Criteria: Invitae Variant Classification Sherloc (09022015). Collection method: clinical testing. Allele origin: germline.
Comment: This sequence change replaces glycine, which is neutral and non-polar, with arginine, which is basic and polar, at codon 484 of the AGRN protein (p.Gly484Arg). The frequency data for this variant in the population databases is considered unreliable, as metrics indicate poor data quality at this position in the gnomAD database. This variant has not been reported in the literature in individuals affected with AGRN-related conditions. An algorithm developed to predict the effect of missense changes on protein structure and function (PolyPhen-2) suggests that this variant is likely to be disruptive. In summary, the available evidence is currently insufficient to determine the role of this variant in disease. Therefore, it has been classified as a Variant of Uncertain Significance.